The following is an entry in ClinVar:

ClinVar aggregate classification (germline): Likely benign (1 of 4 stars; one submission).

Conditions:
Familial cancer of breast. Also called: BREAST CANCER, FAMILIAL; Hereditary breast cancer; hereditary breast carcinoma. Identifiers: Orphanet 227535, MedGen C0346153, MONDO:0016419, OMIM 114480. Disease mechanism: loss of function.

Submission:

Myriad Genetics, Inc.
Classification: Likely benign for Familial cancer of breast. Last evaluated: 2024-05-21. Review status: criteria provided, single submitter. Criteria: Myriad Autosomal Dominant, Autosomal Recessive and X-Linked Classification Criteria (2023). Collection method: clinical testing. Allele origin: unknown.
Comment: This variant is considered likely benign. This variant is intronic and is not expected to impact mRNA splicing.

NM_000051.4(ATM):c.4910-11del

Gene: ATM (ATM serine/threonine kinase; plus strand). Cytogenetic location: 11q22.3.
Variant type: Deletion.
Coding change: c.4910-11del on transcript NM_000051.4 (MANE Select); 11 bases into the intron before coding-DNA position 4910, one base deleted (A; older notation c.4910-11delA).
Molecular consequence: intron variant.
Genome position (GRCh38, 1-based): chr11:108,297,276, A deleted; the last of 6 consecutive A bases (chr11:108,297,271-108,297,276); deleting any one gives the same sequence. VCF-style (leftmost placement, unchanged base first): chr11-108297270-TA-T. GRCh37 (hg19) VCF-style: chr11-108167997-TA-T.
Other names: c.4910-11del (NM_001351834.2).
Identifiers: ClinVar variation 3254427 (VCV003254427.1), dbSNP rs2135860579.